The following is an entry in ClinVar:

NM_014991.6(WDFY3):c.1379G>A (p.Cys460Tyr)

Gene: WDFY3 (WD repeat and FYVE domain containing 3; minus strand). Cytogenetic location: 4q21.23.
Variant type: single nucleotide variant.
Coding change: c.1379G>A on transcript NM_014991.6 (MANE Select); coding-DNA position 1379, G replaced by A.
Protein change: p.Cys460Tyr; replaces cysteine 460 with tyrosine.
Molecular consequence: missense variant.
Genome position (GRCh38, 1-based): chr4:84,821,296, C>T on the plus strand (G>A on the coding strand, the complement: WDFY3 is on the minus strand). VCF-style: chr4-84821296-C-T. GRCh37 (hg19) VCF-style: chr4-85742449-C-T.
Other names: short protein forms C460Y.
Identifiers: ClinVar variation 3364007 (VCV003364007.1).

ClinVar aggregate classification (germline): Uncertain significance (1 of 4 stars; one submission).

gnomAD v4.1: 1 of 1,613,692 alleles (0.000062%); highest among the groups gnomAD compares: Non-Finnish European, 0.000085%; no homozygotes.

Submission:

GeneDx
Classification: Uncertain significance. Last evaluated: 2023-11-10. Review status: criteria provided, single submitter. Criteria: GeneDx Variant Classification Process June 2021. Collection method: clinical testing. Allele origin: germline. Affected: yes.
Comment: Not observed at significant frequency in large population cohorts (gnomAD); In silico analysis supports that this missense variant has a deleterious effect on protein structure/function; Has not been previously published as pathogenic or benign to our knowledge